The following is an entry in ClinVar:

ClinVar aggregate classification (germline): Uncertain significance (1 of 4 stars; one submission).

Conditions:
Hereditary spastic paraplegia 6 (SPG6). Also called: SPASTIC PARAPLEGIA 6, AUTOSOMAL DOMINANT. Identifiers: Orphanet 100988, MedGen C1838192, MONDO:0010878, OMIM 600363.

Submission:

Labcorp Genetics (formerly Invitae), Labcorp
Classification: Uncertain significance for Hereditary spastic paraplegia 6. Last evaluated: 2025-09-24. Review status: criteria provided, single submitter. Criteria: Invitae Variant Classification Sherloc (09022015). Collection method: clinical testing. Allele origin: germline.
Comment: This variant, c.27_47del, results in the deletion of 7 amino acid(s) of the NIPA1 protein (p.Ala10_Ala16del), but otherwise preserves the integrity of the reading frame. The frequency data for this variant in the population databases is considered unreliable, as metrics indicate poor data quality at this position in the gnomAD database. This variant has not been reported in the literature in individuals affected with NIPA1-related conditions. Experimental studies and prediction algorithms are not available or were not evaluated, and the functional significance of this variant is currently unknown. In summary, the available evidence is currently insufficient to determine the role of this variant in disease. Therefore, it has been classified as a Variant of Uncertain Significance.

NM_144599.5(NIPA1):c.24GGC[1] (p.Ala10_Ala16del)

Genes: NIPA1 (NIPA magnesium transporter 1; plus strand), LOC130056709 (ATAC-STARR-seq lymphoblastoid silent region 6259; plus strand). Cytogenetic location: 15q11.2.
Variant type: Microsatellite.
Coding change: c.24GGC[1] on transcript NM_144599.5 (MANE Select); one copy of the 3-base unit GGC starting at c.24; the reference has eight copies in a row; seven copies, 21 bases deleted.
Protein change: p.Ala10_Ala16del.
Molecular consequence: intron variant (on NM_001142275.1).
Genome position (GRCh38, 1-based): chr15:22,786,683-22,786,703, GGCGGCGGCGGCGGCGGCGGC deleted; deleting any 21 consecutive bases within chr15:22,786,678-22,786,703 gives the same sequence; the position shown is the placement nearest the transcript's 3' end. VCF-style (leftmost placement, unchanged base first): chr15-22786677-AGCGGCGGCGGCGGCGGCGGCG-A. GRCh37 (hg19) VCF-style: chr15-23086364-GGCCGCCGCCGCCGCCGCCGCC-G.
Other names: c.-48+435_-48+455del (NM_001142275.1).
Identifiers: ClinVar variation 3703034 (VCV003703034.2).
Genomic context (GRCh38, chr15:22,786,677, plus strand): 5'-CGGCGCGCAGGCGCAGGCTCGGAGGGCGGGCGCGGGCGGAATGGGGACTGCAGCTGCGGC[AGCGGCGGCGGCGGCGGCGGCG>A]GCGGCCGGGGAGGGGGCGCGTAGCCCGAGCCCCGCCGCCGTGTCGCTCGGCCTGGGCGTG-3'